The following is an entry in ClinVar:

NM_198576.4(AGRN):c.3301G>A (p.Glu1101Lys)

Gene: AGRN (agrin; plus strand). Cytogenetic location: 1p36.33.
Variant type: single nucleotide variant.
Coding change: c.3301G>A on transcript NM_198576.4 (MANE Select); coding-DNA position 3301, G replaced by A.
Protein change: p.Glu1101Lys; replaces glutamic acid 1101 with lysine.
Molecular consequence: missense variant.
Genome position (GRCh38, 1-based): chr1:1,046,870, G>A. VCF-style: chr1-1046870-G-A. GRCh37 (hg19) VCF-style: chr1-982250-G-A.
Other names: c.3301G>A, p.Glu1101Lys (NM_001305275.2); c.2986G>A, p.Glu996Lys (NM_001364727.2); c.3301G>A (NM_198576.3); short protein forms E1101K, E996K.
Identifiers: ClinVar variation 1507814 (VCV001507814.5), dbSNP rs371389185, ClinGen allele CA509018.
Genomic context (GRCh38, chr1:1,046,870, plus strand): 5'-GTCTCCCCAGGGCTCGAGCCCTTGGAGGGCAGCAGCGTGGCCACCCCTGGGCCACCTGTC[G>A]AGAGGGCTTCCTGCTACAACTCCGCGTTGGGCTGCTGCTCTGATGGGAAGACGCCCTCGC-3'
Protein context (NP_940978.2, residues 1091-1111): SSVATPGPPV[Glu1101Lys]RASCYNSALG

ClinVar aggregate classification (germline): Uncertain significance. Review status: criteria provided, multiple submitters, no conflicts (2 of 4 stars). 2 submissions from 2 submitters: Uncertain significance (2). Last evaluated 2024-12-05.

Conditions:
Inborn genetic diseases. Identifiers: MedGen C0950123, MeSH D030342.
Congenital myasthenic syndrome 8. Also called: MYASTHENIC SYNDROME, CONGENITAL, DUE TO AGRIN DEFICIENCY; Myasthenic syndrome, congenital, 8, with pre- and postsynaptic defects. Identifiers: Orphanet 590, MedGen C3808739, MONDO:0014052, OMIM 615120.

Allele frequency attached by ClinVar (database versions not stated): TOPMed 0.00002; ESP Exome Variant Server 0.00008; gnomAD 0.00003.

Submissions (2):

Ambry Genetics
Classification: Uncertain significance for Inborn genetic diseases. Last evaluated: 2024-12-05. Review status: criteria provided, single submitter. Criteria: Ambry Variant Classification Scheme 2023. Collection method: clinical testing. Allele origin: germline.

Labcorp Genetics (formerly Invitae), Labcorp
Classification: Uncertain significance for Congenital myasthenic syndrome 8. Last evaluated: 2022-07-06. Review status: criteria provided, single submitter. Criteria: Invitae Variant Classification Sherloc (09022015). Collection method: clinical testing. Allele origin: germline.
Comment: This sequence change replaces glutamic acid, which is acidic and polar, with lysine, which is basic and polar, at codon 1101 of the AGRN protein (p.Glu1101Lys). The frequency data for this variant in the population databases is considered unreliable, as metrics indicate poor data quality at this position in the gnomAD database. This variant has not been reported in the literature in individuals affected with AGRN-related conditions. ClinVar contains an entry for this variant (Variation ID: 1507814). Algorithms developed to predict the effect of missense changes on protein structure and function are either unavailable or do not agree on the potential impact of this missense change (SIFT: "Deleterious"; PolyPhen-2: "Probably Damaging"; Align-GVGD: "Class C0"). In summary, the available evidence is currently insufficient to determine the role of this variant in disease. Therefore, it has been classified as a Variant of Uncertain Significance.